The following is an entry in ClinVar:

ClinVar aggregate classification (germline): Uncertain significance (1 of 4 stars; one submission).

Allele frequency attached by ClinVar (database versions not stated): ExAC 0.00001.
gnomAD v4.1: 11 of 1,613,872 alleles (0.00068%); highest among the groups gnomAD compares: Non-Finnish European, 0.00085%; no homozygotes.

Submission:

Labcorp Genetics (formerly Invitae), Labcorp
Classification: Uncertain significance. Last evaluated: 2022-07-19. Review status: criteria provided, single submitter. Criteria: Invitae Variant Classification Sherloc (09022015). Collection method: clinical testing. Allele origin: germline.
Comment: This variant has not been reported in the literature in individuals affected with DHX38-related conditions. In summary, the available evidence is currently insufficient to determine the role of this variant in disease. Therefore, it has been classified as a Variant of Uncertain Significance. Algorithms developed to predict the effect of sequence changes on RNA splicing suggest that this variant may create or strengthen a splice site. ClinVar contains an entry for this variant (Variation ID: 1060266). This variant is present in population databases (rs753110191, gnomAD 0.0009%). This sequence change creates a premature translational stop signal (p.Glu352*) in the DHX38 gene. It is expected to result in an absent or disrupted protein product. However, the current clinical and genetic evidence is not sufficient to establish whether loss-of-function variants in DHX38 cause disease.

NM_014003.4(DHX38):c.1054G>T (p.Glu352Ter)

Gene: DHX38 (DEAH-box helicase 38; plus strand). Cytogenetic location: 16q22.2.
Variant type: single nucleotide variant.
Coding change: c.1054G>T on transcript NM_014003.4 (MANE Select); coding-DNA position 1054, G replaced by T.
Protein change: p.Glu352Ter; replaces glutamic acid 352 with a stop codon.
Molecular consequence: nonsense.
Genome position (GRCh38, 1-based): chr16:72,099,825, G>T. VCF-style: chr16-72099825-G-T. GRCh37 (hg19) VCF-style: chr16-72133724-G-T.
Other names: short protein forms E352*.
Identifiers: ClinVar variation 1060266 (VCV001060266.7), dbSNP rs753110191, ClinGen allele CA8160197.
Genomic context (GRCh38, chr16:72,099,825, plus strand): 5'-GGCTATGACGAGTTCCACAACCCGCTGGCCTACTCCTCCGAGGACTACGTGAGGAGGCGG[G>T]AGCAGCACCTGCATAAACAGAAGCAGAAGCGCATTTCAGCTCAGCGGAGACAGATCAATG-3'